The following is an entry in ClinVar:

NM_033026.6(PCLO):c.9950A>G (p.Gln3317Arg)

Gene: PCLO (piccolo presynaptic cytomatrix protein; minus strand). Cytogenetic location: 7q21.11.
Variant type: single nucleotide variant.
Coding change: c.9950A>G on transcript NM_033026.6 (MANE Select); coding-DNA position 9950, A replaced by G.
Protein change: p.Gln3317Arg; replaces glutamine 3317 with arginine.
Molecular consequence: missense variant.
Genome position (GRCh38, 1-based): chr7:82,950,638, T>C on the plus strand (A>G on the coding strand, the complement: PCLO is on the minus strand). VCF-style: chr7-82950638-T-C. GRCh37 (hg19) VCF-style: chr7-82579954-T-C.
Other names: c.9950A>G (NM_033026.5); c.9950A>G, p.Gln3317Arg (NM_014510.3); short protein forms Q3317R.
Identifiers: ClinVar variation 1369385 (VCV001369385.9), dbSNP rs1248488620, ClinGen allele CA367906088.
Genomic context (GRCh38, chr7:82,950,638, plus strand): 5'-AAAATTGCCTGCTCTGTAGTGGTTTGTGGAGAAGCAGTTCCAGAAGGGTCATAGTTATAC[T>C]GGTAGATCTGCCGAATCTTTTGCTCCTCCAGCTGCTGGTGAAGCTGTTGTTGCAGCTGTT-3'
Protein context (NP_149015.2, residues 3307-3327): LEEQKIRQIY[Gln3317Arg]YNYDPSGTAS

ClinVar aggregate classification (germline): Uncertain significance. Review status: criteria provided, multiple submitters, no conflicts (2 of 4 stars). 2 submissions from 2 submitters: Uncertain significance (2). Last evaluated 2025-04-25.

Conditions:
Inborn genetic diseases. Identifiers: MedGen C0950123, MeSH D030342.

Allele frequency attached by ClinVar (database versions not stated): gnomAD exomes 0.00001; gnomAD 0.00002.
gnomAD v4.1: 24 of 1,613,750 alleles (0.0015%); highest among the groups gnomAD compares: East Asian, 0.051%; no homozygotes.

Submissions (2):

Ambry Genetics
Classification: Uncertain significance for Inborn genetic diseases. Last evaluated: 2025-04-25. Review status: criteria provided, single submitter. Criteria: Ambry Variant Classification Scheme 2023. Collection method: clinical testing. Allele origin: germline.

Labcorp Genetics (formerly Invitae), Labcorp
Classification: Uncertain significance. Last evaluated: 2021-02-03. Review status: criteria provided, single submitter. Criteria: Invitae Variant Classification Sherloc (09022015). Collection method: clinical testing. Allele origin: germline.
Comment: This sequence change replaces glutamine with arginine at codon 3317 of the PCLO protein (p.Gln3317Arg). The glutamine residue is moderately conserved and there is a small physicochemical difference between glutamine and arginine. In summary, the available evidence is currently insufficient to determine the role of this variant in disease. Therefore, it has been classified as a Variant of Uncertain Significance. Algorithms developed to predict the effect of missense changes on protein structure and function are either unavailable or do not agree on the potential impact of this missense change (SIFT: "Deleterious"; PolyPhen-2: "Not Available"; Align-GVGD: "Class C0"). This variant has not been reported in the literature in individuals with PCLO-related conditions. This variant is not present in population databases (ExAC no frequency).